The following is an entry in ClinVar:

NM_001130987.2(DYSF):c.682C>A (p.His228Asn)

Gene: DYSF (dysferlin; plus strand). Cytogenetic location: 2p13.2.
Variant type: single nucleotide variant.
Coding change: c.682C>A on transcript NM_001130987.2 (MANE Select); coding-DNA position 682, C replaced by A.
Protein change: p.His228Asn; replaces histidine 228 with asparagine.
Molecular consequence: missense variant.
Genome position (GRCh38, 1-based): chr2:71,513,844, C>A. VCF-style: chr2-71513844-C-A. GRCh37 (hg19) VCF-style: chr2-71740974-C-A.
Other names: c.589C>A, p.His197Asn (NM_001130455.2, NM_001130983.2, NM_001130984.2 and 1 more transcripts); c.586C>A, p.His196Asn (NM_001130976.2, NM_001130977.2, NM_001130978.2 and 1 more transcripts); c.679C>A, p.His227Asn (NM_001130979.2, NM_001130980.2, NM_001130981.2); c.682C>A, p.His228Asn (NM_001130982.2, NM_001130985.2); short protein forms H228N, H197N, H196N, H227N.
Identifiers: ClinVar variation 1394898 (VCV001394898.6), dbSNP rs146382803, ClinGen allele CA1705416.

ClinVar aggregate classification (germline): Uncertain significance. Review status: criteria provided, multiple submitters, no conflicts (2 of 4 stars). 2 submissions from 2 submitters: Uncertain significance (2). Last evaluated 2023-12-05.

Conditions:
Neuromuscular disease caused by qualitative or quantitative defects of dysferlin. Also called: Qualitative or quantitative defects of dysferlin; Dysferlinopathy. Identifiers: Orphanet 207073, MedGen C2931687, MONDO:0016145.

Allele frequency attached by ClinVar (database versions not stated): TOPMed below 0.00001; gnomAD 0.00001; gnomAD exomes 0.00001 and 0.00002; ExAC 0.00002; ESP Exome Variant Server 0.00008.

Submissions (2):

Revvity Omics, Revvity
Classification: Uncertain significance. Last evaluated: 2023-12-05. Review status: criteria provided, single submitter. Criteria: ACMG Guidelines, 2015. Collection method: clinical testing. Allele origin: germline.

Labcorp Genetics (formerly Invitae), Labcorp
Classification: Uncertain significance for Neuromuscular disease caused by qualitative or quantitative defects of dysferlin. Last evaluated: 2022-02-03. Review status: criteria provided, single submitter. Criteria: Invitae Variant Classification Sherloc (09022015). Collection method: clinical testing. Allele origin: germline.
Comment: This sequence change replaces histidine, which is basic and polar, with asparagine, which is neutral and polar, at codon 196 of the DYSF protein (p.His196Asn). This variant is present in population databases (rs146382803, gnomAD 0.002%). This variant has not been reported in the literature in individuals affected with DYSF-related conditions. Advanced modeling of protein sequence and biophysical properties (such as structural, functional, and spatial information, amino acid conservation, physicochemical variation, residue mobility, and thermodynamic stability) performed at Invitae indicates that this missense variant is not expected to disrupt DYSF protein function. In summary, the available evidence is currently insufficient to determine the role of this variant in disease. Therefore, it has been classified as a Variant of Uncertain Significance.